The following is an entry in ClinVar:

NM_000051.4(ATM):c.7464T>G (p.Cys2488Trp)

Genes: ATM (ATM serine/threonine kinase; plus strand), C11orf65 (chromosome 11 open reading frame 65; minus strand). Cytogenetic location: 11q22.3.
Variant type: single nucleotide variant.
Coding change: c.7464T>G on transcript NM_000051.4 (MANE Select); coding-DNA position 7464, T replaced by G.
Protein change: p.Cys2488Trp; replaces cysteine 2488 with tryptophan.
Molecular consequence: missense variant. On other transcripts: intron variant (2).
Genome position (GRCh38, 1-based): chr11:108,330,370, T>G. VCF-style: chr11-108330370-T-G. GRCh37 (hg19) VCF-style: chr11-108201097-T-G.
Other names: c.7464T>G, p.Cys2488Trp (NM_001351834.2); c.641-21299A>C (NM_001330368.2); c.*38+4850A>C (NM_001351110.2); short protein forms C2488W.
Identifiers: ClinVar variation 1520687 (VCV001520687.9), dbSNP rs1555123227, ClinGen allele CA382560408.

ClinVar aggregate classification (germline): Uncertain significance. Review status: criteria provided, multiple submitters, no conflicts (2 of 4 stars). 2 submissions from 2 submitters: Uncertain significance (2). Last evaluated 2024-08-31.

Conditions:
Ataxia-telangiectasia syndrome (AT). Also called: LOUIS-BAR SYNDROME; Cerebello-oculocutaneous telangiectasia; Immunodeficiency with ataxia telangiectasia; Ataxia telangiectasia (A-T); Ataxia-telangiectasia, complementation group D; AT, COMPLEMENTATION GROUP C. Identifiers: Orphanet 100, MedGen C0004135, MONDO:0008840, OMIM 208900.
Hereditary cancer-predisposing syndrome. Also called: Neoplastic Syndromes, Hereditary; Tumor predisposition; Hereditary Cancer Syndrome; Hereditary neoplastic syndrome. Identifiers: Orphanet 140162, MedGen C0027672, MeSH D009386, MONDO:0015356.

gnomAD v4.1: 1 of 1,614,178 alleles (0.000062%); highest among the groups gnomAD compares: Non-Finnish European, 0.000085%; no homozygotes.

Submissions (2):

Labcorp Genetics (formerly Invitae), Labcorp
Classification: Uncertain significance for Ataxia-telangiectasia syndrome. Last evaluated: 2024-08-31. Review status: criteria provided, single submitter. Criteria: Invitae Variant Classification Sherloc (09022015). Collection method: clinical testing. Allele origin: germline.
Comment: This sequence change replaces cysteine, which is neutral and slightly polar, with tryptophan, which is neutral and slightly polar, at codon 2488 of the ATM protein (p.Cys2488Trp). This variant is not present in population databases (gnomAD no frequency). This variant has not been reported in the literature in individuals affected with ATM-related conditions. ClinVar contains an entry for this variant (Variation ID: 1520687). An algorithm developed to predict the effect of missense changes on protein structure and function (PolyPhen-2) suggests that this variant is likely to be disruptive. In summary, the available evidence is currently insufficient to determine the role of this variant in disease. Therefore, it has been classified as a Variant of Uncertain Significance.

Ambry Genetics
Classification: Uncertain significance for Hereditary cancer-predisposing syndrome. Last evaluated: 2023-11-10. Review status: criteria provided, single submitter. Criteria: Ambry Variant Classification Scheme 2023. Collection method: clinical testing. Allele origin: germline.
Comment: The p.C2488W variant (also known as c.7464T>G), located in coding exon 49 of the ATM gene, results from a T to G substitution at nucleotide position 7464. The cysteine at codon 2488 is replaced by tryptophan, an amino acid with highly dissimilar properties. This amino acid position is conserved. In addition, the in silico prediction for this alteration is inconclusive. Since supporting evidence is limited at this time, the clinical significance of this alteration remains unclear.